The following is an entry in ClinVar:

NC_000005.10:g.(?_60874605)_(61099042_?)del

Genes: ERCC8 (ERCC excision repair 8, CSA ubiquitin ligase complex subunit; minus strand), NDUFAF2 (NADH:ubiquinone oxidoreductase complex assembly factor 2; plus strand). Cytogenetic location: 5q12.1.
Variant type: Deletion.
Identifiers: ClinVar variation 832403 (VCV000832403.1).

ClinVar aggregate classification (germline): Pathogenic (1 of 4 stars; one submission).

Submission:

Labcorp Genetics (formerly Invitae), Labcorp
Classification: Pathogenic. Last evaluated: 2019-04-29. Review status: criteria provided, single submitter. Criteria: Invitae Variant Classification Sherloc (09022015). Collection method: clinical testing. Allele origin: germline.
Comment: A gross deletion of the genomic region encompassing the full coding sequence of the ERCC8 gene has been identified. The boundaries of this event are unknown as the deletion extends beyond the assayed region for this gene and therefore may encompass additional genes. A similar copy number variant has been observed in an individual affected with Cockayne syndrome (PMID: 26210811). Loss-of-function variants in ERCC8 are known to be pathogenic (PMID: 19894250, 21108394). For these reasons, this variant has been classified as Pathogenic.

Literature cited by the submitters: PubMed 26210811.